The following is an entry in ClinVar:

ClinVar aggregate classification (germline): Uncertain significance. Review status: criteria provided, multiple submitters, no conflicts (2 of 4 stars). 2 submissions from 2 submitters: Uncertain significance (2). Last evaluated 2022-08-04.

Allele frequency attached by ClinVar (database versions not stated): gnomAD exomes below 0.00001.
gnomAD v4.1: 1 of 1,614,116 alleles (0.000062%); highest among the groups gnomAD compares: Admixed American, 0.0017%; no homozygotes.

Submissions (2):

Blueprint Genetics
Classification: Uncertain significance. Last evaluated: 2022-08-04. Review status: criteria provided, single submitter. Criteria: ACMG Guidelines, 2015. Collection method: clinical testing. Allele origin: germline.

Labcorp Genetics (formerly Invitae), Labcorp
Classification: Uncertain significance. Last evaluated: 2022-07-19. Review status: criteria provided, single submitter. Criteria: Invitae Variant Classification Sherloc (09022015). Collection method: clinical testing. Allele origin: germline.
Comment: This sequence change replaces leucine, which is neutral and non-polar, with valine, which is neutral and non-polar, at codon 127 of the IL6R protein (p.Leu127Val). This variant is present in population databases (no rsID available, gnomAD 0.003%). This variant has not been reported in the literature in individuals affected with IL6R-related conditions. ClinVar contains an entry for this variant (Variation ID: 1034508). Algorithms developed to predict the effect of missense changes on protein structure and function output the following: SIFT: "Tolerated"; PolyPhen-2: "Benign"; Align-GVGD: "Class C0". The valine amino acid residue is found in multiple mammalian species, which suggests that this missense change does not adversely affect protein function. In summary, the available evidence is currently insufficient to determine the role of this variant in disease. Therefore, it has been classified as a Variant of Uncertain Significance.

NM_000565.4(IL6R):c.379C>G (p.Leu127Val)

Gene: IL6R (interleukin 6 receptor; plus strand). Cytogenetic location: 1q21.3.
Variant type: single nucleotide variant.
Coding change: c.379C>G on transcript NM_000565.4 (MANE Select); coding-DNA position 379, C replaced by G.
Protein change: p.Leu127Val; replaces leucine 127 with valine.
Molecular consequence: missense variant. On other transcripts: intron variant (1).
Genome position (GRCh38, 1-based): chr1:154,430,527, C>G. VCF-style: chr1-154430527-C-G. GRCh37 (hg19) VCF-style: chr1-154403003-C-G.
Other names: c.379C>G, p.Leu127Val (NM_001206866.2, NM_001382769.1, NM_001382770.1 and 4 more transcripts); c.126+1291C>G (NM_001382774.1); short protein forms L127V.
Identifiers: ClinVar variation 1034508 (VCV001034508.7), dbSNP rs1207804675, ClinGen allele CA342606946.